The following is an entry in ClinVar:

ClinVar aggregate classification (germline): Pathogenic (1 of 4 stars; one submission).

Allele frequency attached by ClinVar (database versions not stated): TOPMed below 0.00001; gnomAD 0.00001; gnomAD exomes 0.00001; ExAC 0.00003.
gnomAD v4.1: 15 of 1,613,934 alleles (0.00093%); highest among the groups gnomAD compares: South Asian, 0.0022%; no homozygotes.

Submission:

Labcorp Genetics (formerly Invitae), Labcorp
Classification: Pathogenic. Last evaluated: 2022-09-09. Review status: criteria provided, single submitter. Criteria: Invitae Variant Classification Sherloc (09022015). Collection method: clinical testing. Allele origin: germline.
Comment: For these reasons, this variant has been classified as Pathogenic. This variant has not been reported in the literature in individuals affected with MYH3-related conditions. This variant is present in population databases (rs748108904, gnomAD 0.01%). This sequence change creates a premature translational stop signal (p.Arg1046*) in the MYH3 gene. It is expected to result in an absent or disrupted protein product. Loss-of-function variants in MYH3 are known to be pathogenic (PMID: 29805041, 30008475).

Literature cited by the submitters: PubMed 29805041; PubMed 30008475.

NM_002470.4(MYH3):c.3136C>T (p.Arg1046Ter)

Gene: MYH3 (myosin heavy chain 3; minus strand). Cytogenetic location: 17p13.1.
Variant type: single nucleotide variant.
Coding change: c.3136C>T on transcript NM_002470.4 (MANE Select); coding-DNA position 3136, C replaced by T.
Protein change: p.Arg1046Ter; replaces arginine 1046 with a stop codon.
Molecular consequence: nonsense.
Genome position (GRCh38, 1-based): chr17:10,639,156, G>A on the plus strand (C>T on the coding strand, the complement: MYH3 is on the minus strand). VCF-style: chr17-10639156-G-A. GRCh37 (hg19) VCF-style: chr17-10542473-G-A.
Other names: short protein forms R1046*.
Identifiers: ClinVar variation 2201175 (VCV002201175.4), dbSNP rs748108904, ClinGen allele CA8392601.